The following is an entry in ClinVar:

ClinVar aggregate classification (germline): Benign/Likely benign. Review status: criteria provided, multiple submitters, no conflicts (2 of 4 stars). 6 submissions from 6 submitters: Benign (5); Likely benign (1). Last evaluated 2026-04-20.

Conditions:
Cardiovascular phenotype. Identifiers: MedGen CN230736.
Ehlers-Danlos syndrome (EDS). Identifiers: Orphanet 98249, MedGen C0013720, MONDO:0020066.

Allele frequency attached by ClinVar (database versions not stated): gnomAD 0.00031 and 0.00086; TOPMed 0.00034; gnomAD exomes 0.00115 and 0.00270; 1000 Genomes Project 30x 0.00234; 1000 Genomes Project 0.00280; ExAC 0.00573.
gnomAD v4.1: 1,730 of 1,550,396 alleles (0.11%); highest among the groups gnomAD compares: South Asian, 1.5%; 22 homozygotes.

Submissions (6):

Women's Health and Genetics/Laboratory Corporation of America, LabCorp
Classification: Benign. Last evaluated: 2026-04-20. Review status: criteria provided, single submitter. Criteria: LabCorp Variant Classification Summary - May 2015. Collection method: clinical testing. Allele origin: germline.

Labcorp Genetics (formerly Invitae), Labcorp
Classification: Benign. Last evaluated: 2026-01-28. Review status: criteria provided, single submitter. Criteria: Invitae Variant Classification Sherloc (09022015). Collection method: clinical testing. Allele origin: germline.

Mayo Clinic Laboratories, Mayo Clinic
Classification: Benign. Last evaluated: 2023-10-17. Review status: criteria provided, single submitter. Criteria: ACMG Guidelines, 2015. Collection method: clinical testing. Allele origin: germline. Observed: 5 variant alleles.
Comment: BS1, BS2, BP4, BP7

Genome Diagnostics Laboratory, The Hospital for Sick Children
Classification: Likely benign for Ehlers-Danlos syndrome. Last evaluated: 2022-03-04. Review status: criteria provided, single submitter. Criteria: ACMG Guidelines, 2015. Collection method: clinical testing. Allele origin: germline.

Ambry Genetics
Classification: Benign for Cardiovascular phenotype. Last evaluated: 2019-09-19. Review status: criteria provided, single submitter. Criteria: Ambry Variant Classification Scheme 2023. Collection method: clinical testing. Allele origin: germline.

GeneDx
Classification: Benign. Last evaluated: 2019-09-11. Review status: criteria provided, single submitter. Criteria: GeneDx Variant Classification Process June 2021. Collection method: clinical testing. Allele origin: germline. Affected: yes.
Comment: In silico analysis, which includes splice predictors and evolutionary conservation, supports that this variant does not alter protein structure/function; Nucleotide substitution has no predicted effect on splicing and is not conserved across species; Has not been previously published as pathogenic or benign to our knowledge

NM_001367624.2(ZNF469):c.4227G>A (p.Pro1409=)

Gene: ZNF469 (zinc finger protein 469; plus strand). Cytogenetic location: 16q24.2.
Variant type: single nucleotide variant.
Coding change: c.4227G>A on transcript NM_001367624.2 (MANE Select); coding-DNA position 4227, G replaced by A.
Protein change: p.Pro1409=; no amino-acid change (proline 1409 retained).
Molecular consequence: synonymous variant.
Genome position (GRCh38, 1-based): chr16:88,431,697, G>A. VCF-style: chr16-88431697-G-A. GRCh37 (hg19) VCF-style: chr16-88498105-G-A.
Other names: NM_001127464.1:c.4143G>A; NM_001127464.2:c.4143G>A; p.Pro1409=.
Identifiers: ClinVar variation 320919 (VCV000320919.22), dbSNP rs371897217, ClinGen allele CA8224925.